The following is an entry in ClinVar:

ClinVar aggregate classification (germline): Uncertain significance (1 of 4 stars; one submission).

Conditions:
Inflammatory skin and bowel disease, neonatal, 1. Identifiers: Orphanet 294023, MedGen C3280501, MONDO:0013693, OMIM 614328.

Submission:

Labcorp Genetics (formerly Invitae), Labcorp
Classification: Uncertain significance for Inflammatory skin and bowel disease, neonatal, 1. Last evaluated: 2022-03-27. Review status: criteria provided, single submitter. Criteria: Invitae Variant Classification Sherloc (09022015). Collection method: clinical testing. Allele origin: germline.
Comment: This variant has not been reported in the literature in individuals affected with ADAM17-related conditions. This variant is not present in population databases (gnomAD no frequency). This sequence change replaces glutamine, which is neutral and polar, with histidine, which is basic and polar, at codon 92 of the ADAM17 protein (p.Gln92His). Algorithms developed to predict the effect of missense changes on protein structure and function are either unavailable or do not agree on the potential impact of this missense change (SIFT: "Not Available"; PolyPhen-2: "Benign"; Align-GVGD: "Not Available"). In summary, the available evidence is currently insufficient to determine the role of this variant in disease. Therefore, it has been classified as a Variant of Uncertain Significance.

NM_003183.6(ADAM17):c.276A>C (p.Gln92His)

Gene: ADAM17 (ADAM metallopeptidase domain 17; minus strand). Cytogenetic location: 2p25.1.
Variant type: single nucleotide variant.
Coding change: c.276A>C on transcript NM_003183.6 (MANE Select); coding-DNA position 276, A replaced by C.
Protein change: p.Gln92His; replaces glutamine 92 with histidine.
Molecular consequence: missense variant. On other transcripts: 5 prime UTR variant (2).
Genome position (GRCh38, 1-based): chr2:9,536,783, T>G on the plus strand (A>C on the coding strand, the complement: ADAM17 is on the minus strand). VCF-style: chr2-9536783-T-G. GRCh37 (hg19) VCF-style: chr2-9676912-T-G.
Other names: c.-405A>C (NM_001382777.1); c.-647A>C (NM_001382778.1); short protein forms Q92H.
Identifiers: ClinVar variation 2118555 (VCV002118555.4), dbSNP rs1293860750, ClinGen allele CA345786422.
Genomic context (GRCh38, chr2:9,536,783, plus strand): 5'-CTGCCATTTTACAGTGTACTCGCTTTCGTTTTTACCATCCACCACCACGACCTTGAAATT[T>G]TGTGAAAAACGTTCAGTACTTGATGTCAGGTATAATTTAAAATGCCTGAAGAAAAATGCA-3'
Protein context (NP_003174.3, residues 82-102): YLTSSTERFS[Gln92His]NFKVVVVDGK